The following is an entry in ClinVar:

NM_152263.4(TPM3):c.118C>G (p.Leu40Val)

Gene: TPM3 (tropomyosin 3; minus strand). Cytogenetic location: 1q21.3.
Variant type: single nucleotide variant.
Coding change: c.118C>G on transcript NM_152263.4 (MANE Select); coding-DNA position 118, C replaced by G.
Protein change: p.Leu40Val; replaces leucine 40 with valine.
Molecular consequence: missense variant. On other transcripts: non-coding transcript variant (1).
Genome position (GRCh38, 1-based): chr1:154,191,311, G>C on the plus strand (C>G on the coding strand, the complement: TPM3 is on the minus strand). VCF-style: chr1-154191311-G-C. GRCh37 (hg19) VCF-style: chr1-154163787-G-C.
Other names: c.118C>G, p.Leu40Val (NM_001364679.2, NM_001364680.2, NM_001364681.2 and 1 more transcripts); short protein forms L40V.
Identifiers: ClinVar variation 1361752 (VCV001361752.8), dbSNP rs1160675914, ClinGen allele CA342587326.

ClinVar aggregate classification (germline): Uncertain significance (1 of 4 stars; one submission).

Conditions:
Congenital myopathy with fiber type disproportion. Also called: Congenital fiber-type disproportion myopathy; Congenital fiber-type disproportion. Identifiers: Orphanet 2020, MedGen C0546264, MONDO:0009711. Inheritance: all.
Congenital myopathy 4B, autosomal recessive. Also called: Nemaline myopathy 1, autosomal dominant or recessive. Identifiers: Orphanet 171433, Orphanet 171439, Orphanet 171881, MedGen C5829889, MONDO:0012239, OMIM 609284.

gnomAD v4.1: 1 of 1,613,900 alleles (0.000062%); highest among the groups gnomAD compares: Non-Finnish European, 0.000085%; no homozygotes.

Submission:

Labcorp Genetics (formerly Invitae), Labcorp
Classification: Uncertain significance for Congenital myopathy with fiber type disproportion; Congenital myopathy 4B, autosomal recessive. Last evaluated: 2025-09-03. Review status: criteria provided, single submitter. Criteria: Invitae Variant Classification Sherloc (09022015). Collection method: clinical testing. Allele origin: germline.
Comment: This sequence change replaces leucine, which is neutral and non-polar, with valine, which is neutral and non-polar, at codon 40 of the TPM3 protein (p.Leu40Val). This variant is not present in population databases (gnomAD no frequency). This variant has not been reported in the literature in individuals affected with TPM3-related conditions. ClinVar contains an entry for this variant (Variation ID: 1361752). An algorithm developed to predict the effect of missense changes on protein structure and function (PolyPhen-2) suggests that this variant is likely to be disruptive. In summary, the available evidence is currently insufficient to determine the role of this variant in disease. Therefore, it has been classified as a Variant of Uncertain Significance.